The following is an entry in ClinVar:

NM_004168.4(SDHA):c.1206C>T (p.Val402=)

Gene: SDHA (succinate dehydrogenase complex flavoprotein subunit A; plus strand). Cytogenetic location: 5p15.33.
Variant type: single nucleotide variant.
Coding change: c.1206C>T on transcript NM_004168.4 (MANE Select); coding-DNA position 1206, C replaced by T.
Protein change: p.Val402=; no amino-acid change (valine 402 retained).
Molecular consequence: synonymous variant.
Genome position (GRCh38, 1-based): chr5:235,285, C>T. VCF-style: chr5-235285-C-T. GRCh37 (hg19) VCF-style: chr5-235400-C-T.
Other names: c.1062C>T, p.Val354= (NM_001294332.2); c.1206C>T, p.Val402= (NM_001330758.2).
Identifiers: ClinVar variation 472307 (VCV000472307.15), dbSNP rs1183961449, ClinGen allele CA442692010.
Genomic context (GRCh38, chr5:235,285, plus strand): 5'-CATTTCAGAGACAGCCATGATCTTCGCTGGCGTGGACGTCACGAAGGAGCCGATCCCTGT[C>T]CTCCCCACCGTGCATTATAACATGGGCGGCATTCCCACCAACTACAAGGGGCAGGTGATG-3'
Protein context (NP_004159.2, residues 392-412): GVDVTKEPIP[Val402=]LPTVHYNMGG

ClinVar aggregate classification (germline): Benign/Likely benign. Review status: criteria provided, multiple submitters, no conflicts (2 of 4 stars). 3 submissions from 3 submitters: Benign (1); Likely benign (2). Last evaluated 2026-01-11.

Conditions:
Pheochromocytoma/paraganglioma syndrome 5. Also called: Paragangliomas 5; SDHA-Related Hereditary Paraganglioma-Pheochromocytoma Syndrome. Identifiers: Orphanet 29072, MedGen C3279992, MONDO:0013602, OMIM 614165.
Hereditary cancer-predisposing syndrome. Also called: Neoplastic Syndromes, Hereditary; Hereditary Cancer Syndrome; Hereditary neoplastic syndrome; Tumor predisposition. Identifiers: Orphanet 140162, MedGen C0027672, MeSH D009386, MONDO:0015356.
Mitochondrial complex II deficiency, nuclear type 1. Also called: SUCCINATE CoQ REDUCTASE DEFICIENCY. Identifiers: Orphanet 3208, MedGen C5700310, MONDO:0100294, OMIM 252011.

Allele frequency attached by ClinVar (database versions not stated): gnomAD exomes below 0.00001; TOPMed below 0.00001.

Submissions (3):

Labcorp Genetics (formerly Invitae), Labcorp
Classification: Likely benign for Pheochromocytoma/paraganglioma syndrome 5; Mitochondrial complex II deficiency, nuclear type 1. Last evaluated: 2026-01-11. Review status: criteria provided, single submitter. Criteria: Invitae Variant Classification Sherloc (09022015). Collection method: clinical testing. Allele origin: germline.

Myriad Genetics, Inc.
Classification: Benign for Pheochromocytoma/paraganglioma syndrome 5. Last evaluated: 2025-03-10. Review status: criteria provided, single submitter. Criteria: Myriad Autosomal Dominant, Autosomal Recessive and X-Linked Classification Criteria (2023). Collection method: clinical testing. Allele origin: unknown.
Comment: This variant is considered benign. This variant is a silent/synonymous amino acid change and it is not expected to impact splicing.

Ambry Genetics
Classification: Likely benign for Hereditary cancer-predisposing syndrome. Last evaluated: 2014-10-20. Review status: criteria provided, single submitter. Criteria: Ambry Variant Classification Scheme 2023. Collection method: clinical testing. Allele origin: germline.